The following is an entry in ClinVar:

NM_020778.5(ALPK3):c.5064G>A (p.Leu1688=)

Gene: ALPK3 (alpha kinase 3; plus strand). Cytogenetic location: 15q25.3.
Variant type: single nucleotide variant.
Coding change: c.5064G>A on transcript NM_020778.5 (MANE Select); coding-DNA position 5064, G replaced by A.
Protein change: p.Leu1688=; no amino-acid change (leucine 1688 retained).
Molecular consequence: synonymous variant.
Genome position (GRCh38, 1-based): chr15:84,868,402, G>A. VCF-style: chr15-84868402-G-A. GRCh37 (hg19) VCF-style: chr15-85411633-G-A.
Identifiers: ClinVar variation 682151 (VCV000682151.19), dbSNP rs115813516, ClinGen allele CA7710152.
Genomic context (GRCh38, chr15:84,868,402, plus strand): 5'-GAAGAGTGCTCCAAGTTCCAAGGCCACCCCTCAGGCCTCAGAGCCAGTCACCACTCAGTT[G>A]TTGGGACAGCCTCCCACCCAAGAGGAGGGCTCCAAGGCCCAGGGCATGCGGTAGCCTCCG-3'
Protein context (NP_065829.4, residues 1678-1698): PQASEPVTTQ[Leu1688=]LGQPPTQEEG

ClinVar aggregate classification (germline): Likely benign. Review status: criteria provided, multiple submitters, no conflicts (2 of 4 stars). 9 submissions from 9 submitters: Likely benign (6). 3 of the submissions do not count toward it. Last evaluated 2026-03-27.

Conditions:
Cardiovascular phenotype. Identifiers: MedGen CN230736.
ALPK3-related disorder. Also called: ALPK3-related condition.

Allele frequency attached by ClinVar (database versions not stated): ESP Exome Variant Server 0.00008; gnomAD 0.00011 and 0.00015; gnomAD exomes 0.00011 and 0.00014; TOPMed 0.00015; ExAC 0.00016; 1000 Genomes Project 0.00060; 1000 Genomes Project 30x 0.00062.
gnomAD v4.1: 181 of 1,613,010 alleles (0.011%); highest among the groups gnomAD compares: Middle Eastern, 0.12%; no homozygotes.

Submissions (9):

Molecular Diagnostic Laboratory for Inherited Cardiovascular Disease, Montreal Heart Institute
Classification: Likely benign. Last evaluated: 2026-03-27. Review status: criteria provided, single submitter. Criteria: ACMG Guidelines, 2015. Collection method: clinical testing. Allele origin: germline. Affected: no.

Labcorp Genetics (formerly Invitae), Labcorp
Classification: Likely benign. Last evaluated: 2026-01-14. Review status: criteria provided, single submitter. Criteria: Invitae Variant Classification Sherloc (09022015). Collection method: clinical testing. Allele origin: germline.

Blueprint Genetics
Classification: Likely benign. Last evaluated: 2024-06-04. Review status: criteria provided, single submitter. Criteria: ACMG Guidelines, 2015. Collection method: clinical testing. Allele origin: germline.

Women's Health and Genetics/Laboratory Corporation of America, LabCorp
Classification: Likely benign. Last evaluated: 2024-01-28. Review status: criteria provided, single submitter. Criteria: LabCorp Variant Classification Summary - May 2015. Collection method: clinical testing. Allele origin: germline.

Ambry Genetics
Classification: Likely benign for Cardiovascular phenotype. Last evaluated: 2019-11-21. Review status: criteria provided, single submitter. Criteria: Ambry Variant Classification Scheme 2023. Collection method: clinical testing. Allele origin: germline.

GeneDx
Classification: Likely benign. Last evaluated: 2018-04-27. Review status: criteria provided, single submitter. Criteria: GeneDx Variant Classification (06012015). Collection method: clinical testing. Allele origin: germline. Affected: yes.
Comment: This variant is considered likely benign or benign based on one or more of the following criteria: it is a conservative change, it occurs at a poorly conserved position in the protein, it is predicted to be benign by multiple in silico algorithms, and/or has population frequency not consistent with disease.

PreventionGenetics, part of Exact Sciences
Classification: Likely benign for ALPK3-related condition. Last evaluated: 2020-09-18. Review status: no assertion criteria provided. Collection method: clinical testing. Allele origin: germline. Not counted in ClinVar's aggregate classification.
Comment: This variant is classified as likely benign based on ACMG/AMP sequence variant interpretation guidelines (Richards et al. 2015 PMID: 25741868, with internal and published modifications).

Clinical Genetics DNA and cytogenetics Diagnostics Lab, Erasmus MC, Erasmus Medical Center
Classification: Likely benign. Review status: no assertion criteria provided. Collection method: clinical testing. Allele origin: germline. Affected: yes. Study: VKGL Data-share Consensus. Not counted in ClinVar's aggregate classification.

Clinical Genetics, Academic Medical Center
Classification: Benign. Review status: no assertion criteria provided. Collection method: clinical testing. Allele origin: germline. Affected: yes. Study: VKGL Data-share Consensus. Not counted in ClinVar's aggregate classification.